The following is an entry in ClinVar:

ClinVar aggregate classification (germline): Uncertain significance (1 of 4 stars; one submission).

Conditions:
SEMA3G-related disorder. Also called: SEMA3G-related condition.

gnomAD v4.1: 16 of 1,572,460 alleles (0.001%); highest among the groups gnomAD compares: African/African-American, 0.0014%; no homozygotes.

Submission:

PreventionGenetics, part of Exact Sciences
Classification: Uncertain significance for SEMA3G-related condition. Last evaluated: 2026-06-16. Review status: criteria provided, single submitter. Criteria: ACMG Guidelines, 2015. Collection method: clinical testing. Allele origin: germline.
Comment: The SEMA3G c.1144-1G>A variant is predicted to disrupt the AG splice acceptor site and interfere with normal splicing. To our knowledge, this variant has not been reported in the literature. This variant is reported in 0.00099% of alleles in individuals of European (Non-Finnish) descent in gnomAD. At this time, the clinical significance of this variant is uncertain due to the absence of conclusive functional and genetic evidence.

NM_020163.3(SEMA3G):c.1144-1G>A

Gene: SEMA3G (semaphorin 3G; minus strand). Cytogenetic location: 3p21.1.
Variant type: single nucleotide variant.
Coding change: c.1144-1G>A on transcript NM_020163.3 (MANE Select); the canonical splice acceptor site of the intron before coding-DNA position 1144, G replaced by A.
Molecular consequence: splice acceptor variant.
Genome position (GRCh38, 1-based): chr3:52,440,099, C>T on the plus strand (G>A on the coding strand, the complement: SEMA3G is on the minus strand). VCF-style: chr3-52440099-C-T. GRCh37 (hg19) VCF-style: chr3-52474115-C-T.
Identifiers: ClinVar variation 4979214 (VCV004979214.1).
Genomic context (GRCh38, chr3:52,440,099, plus strand): 5'-TGGGTAGTCCTTGGTGCTGCCAAAAGGCCGTCCTGGCTGTGCGGTCATCTTGCTGGGGCA[C>T]TGTGGGCAGCAGGGAAGGGAGTGCCTGAAGTATCCTGAGACAGCACACACCCTCCACCGC-3'